The following is an entry in ClinVar:

NM_000094.4(COL7A1):c.1804C>G (p.Pro602Ala)

Gene: COL7A1 (collagen type VII alpha 1 chain; minus strand). Cytogenetic location: 3p21.31.
Variant type: single nucleotide variant.
Coding change: c.1804C>G on transcript NM_000094.4 (MANE Select); coding-DNA position 1804, C replaced by G.
Protein change: p.Pro602Ala; replaces proline 602 with alanine.
Molecular consequence: missense variant.
Genome position (GRCh38, 1-based): chr3:48,590,561, G>C on the plus strand (C>G on the coding strand, the complement: COL7A1 is on the minus strand). VCF-style: chr3-48590561-G-C. GRCh37 (hg19) VCF-style: chr3-48627994-G-C.
Other names: short protein forms P602A.
Identifiers: ClinVar variation 4774895 (VCV004774895.1).
Genomic context (GRCh38, chr3:48,590,561, plus strand): 5'-GGACGGGTCCCCAGGCCACCCTCACTCGCGTTGCATCTGACACCACAACCCGCAGCCCTG[G>C]AACAGCAAGTGGAGTTTCCGGCTCTAGGAGTTACAGACAGAAGTCAGAAGTCAGAACCAG-3'
Protein context (NP_000085.1, residues 592-612): RREPETPLAV[Pro602Ala]GLRVVVSDAT

ClinVar aggregate classification (germline): Uncertain significance (1 of 4 stars; one submission).

gnomAD v4.1: 3 of 1,614,026 alleles (0.00019%); highest among the groups gnomAD compares: Non-Finnish European, 0.00025%; no homozygotes.

Submission:

Labcorp Genetics (formerly Invitae), Labcorp
Classification: Uncertain significance. Last evaluated: 2025-04-11. Review status: criteria provided, single submitter. Criteria: Invitae Variant Classification Sherloc (09022015). Collection method: clinical testing. Allele origin: germline.
Comment: This sequence change replaces proline, which is neutral and non-polar, with alanine, which is neutral and non-polar, at codon 602 of the COL7A1 protein (p.Pro602Ala). This variant is present in population databases (rs372132703, gnomAD 0.007%). This variant has not been reported in the literature in individuals affected with COL7A1-related conditions. Invitae Evidence Modeling of protein sequence and biophysical properties (such as structural, functional, and spatial information, amino acid conservation, physicochemical variation, residue mobility, and thermodynamic stability) indicates that this missense variant is not expected to disrupt COL7A1 protein function with a negative predictive value of 95%. In summary, the available evidence is currently insufficient to determine the role of this variant in disease. Therefore, it has been classified as a Variant of Uncertain Significance.